The following is an entry in ClinVar:

ClinVar aggregate classification (germline): Uncertain significance. Review status: criteria provided, multiple submitters, no conflicts (2 of 4 stars). 2 submissions from 2 submitters: Uncertain significance (2). Last evaluated 2025-08-01.

Conditions:
Hereditary cancer-predisposing syndrome. Also called: Neoplastic Syndromes, Hereditary; Hereditary Cancer Syndrome; Hereditary neoplastic syndrome; Tumor predisposition. Identifiers: Orphanet 140162, MedGen C0027672, MeSH D009386, MONDO:0015356.
Retinoblastoma (RB1). Also called: RETINOBLASTOMA, SOMATIC. Identifiers: Orphanet 790, MedGen C0035335, MeSH D012175, MONDO:0008380, OMIM 180200, HP:0009919. Disease mechanism: loss of function. Inheritance: Both sporadic and heritable forms are tested..

Submissions (2):

Labcorp Genetics (formerly Invitae), Labcorp
Classification: Uncertain significance for Retinoblastoma. Last evaluated: 2025-08-01. Review status: criteria provided, single submitter. Criteria: Invitae Variant Classification Sherloc (09022015). Collection method: clinical testing. Allele origin: germline.
Comment: This sequence change replaces proline, which is neutral and non-polar, with leucine, which is neutral and non-polar, at codon 23 of the RB1 protein (p.Pro23Leu). This variant is not present in population databases (gnomAD no frequency). This variant has not been reported in the literature in individuals affected with RB1-related conditions. ClinVar contains an entry for this variant (Variation ID: 1418753). Invitae Evidence Modeling of protein sequence and biophysical properties (such as structural, functional, and spatial information, amino acid conservation, physicochemical variation, residue mobility, and thermodynamic stability) has been performed for this missense variant. However, the output from this modeling did not meet the statistical confidence thresholds required to predict the impact of this variant on RB1 protein function. In summary, the available evidence is currently insufficient to determine the role of this variant in disease. Therefore, it has been classified as a Variant of Uncertain Significance.

Ambry Genetics
Classification: Uncertain significance for Hereditary cancer-predisposing syndrome. Last evaluated: 2024-08-16. Review status: criteria provided, single submitter. Criteria: Ambry Variant Classification Scheme 2023. Collection method: clinical testing. Allele origin: germline.
Comment: The p.P23L variant (also known as c.68C>T), located in coding exon 1 of the RB1 gene, results from a C to T substitution at nucleotide position 68. The proline at codon 23 is replaced by leucine, an amino acid with similar properties. This amino acid position is well conserved in available vertebrate species. In addition, the in silico prediction for this alteration is inconclusive. Since supporting evidence is limited at this time, the clinical significance of this alteration remains unclear.

NM_000321.3(RB1):c.68C>T (p.Pro23Leu)

Gene: RB1 (RB transcriptional corepressor 1; plus strand). Cytogenetic location: 13q14.2.
Variant type: single nucleotide variant.
Coding change: c.68C>T on transcript NM_000321.3 (MANE Select); coding-DNA position 68, C replaced by T.
Protein change: p.Pro23Leu; replaces proline 23 with leucine.
Molecular consequence: missense variant.
Genome position (GRCh38, 1-based): chr13:48,303,980, C>T. VCF-style: chr13-48303980-C-T. GRCh37 (hg19) VCF-style: chr13-48878116-C-T.
Other names: short protein forms P23L.
Identifiers: ClinVar variation 1418753 (VCV001418753.9), dbSNP rs1952053594, ClinGen allele CA388250261.